The following is an entry in ClinVar:

ClinVar aggregate classification (germline): Uncertain significance. Review status: criteria provided, multiple submitters, no conflicts (2 of 4 stars). 3 submissions from 3 submitters: Uncertain significance (3). Last evaluated 2025-05-30.

Conditions:
RYR1-related disorder. Also called: RYR1-related disorders; RYR1-related condition. Identifiers: MedGen CN239331.
Malignant hyperthermia, susceptibility to, 1 (MHS1). Also called: RYR1-Related Malignant Hyperthermia Susceptibility; Malignant hyperthermia suceptibility 1; Anesthesia related hyperthermia; Malignant hyperpyrexia; Fulminating hyperpyrexia; Pharmacogenic myopathy. Identifiers: Orphanet 423, MedGen C2930980, MONDO:0007783, OMIM 145600.

Allele frequency attached by ClinVar (database versions not stated): gnomAD exomes below 0.00001.
gnomAD v4.1: 1 of 1,614,022 alleles (0.000062%); highest among the groups gnomAD compares: Non-Finnish European, 0.000085%; no homozygotes.

Submissions (3):

Color Diagnostics, LLC DBA Color Health
Classification: Uncertain significance for Malignant hyperthermia, susceptibility to, 1. Last evaluated: 2025-05-30. Review status: criteria provided, single submitter. Criteria: ACMG Guidelines, 2015. Collection method: clinical testing. Allele origin: germline.
Comment: This missense variant replaces proline with serine at codon 4154 of the RYR1 protein. Computational prediction suggests that this variant may have deleterious impact on protein structure and function. To our knowledge, functional studies have not been reported for this variant. This variant has not been reported in individuals affected with RYR1-related disorders in the literature. This variant has not been identified in the general population by the Genome Aggregation Database (gnomAD). The available evidence is insufficient to determine the role of this variant in disease conclusively. Therefore, this variant is classified as a Variant of Uncertain Significance.

GeneDx
Classification: Uncertain significance. Last evaluated: 2025-05-19. Review status: criteria provided, single submitter. Criteria: GeneDx Variant Classification Process June 2021. Collection method: clinical testing. Allele origin: germline. Affected: yes.
Comment: Not observed at significant frequency in large population cohorts (gnomAD); In silico analysis supports that this missense variant has a deleterious effect on protein structure/function; Has not been previously published as pathogenic or benign to our knowledge

Labcorp Genetics (formerly Invitae), Labcorp
Classification: Uncertain significance for RYR1-related disorder. Last evaluated: 2023-12-06. Review status: criteria provided, single submitter. Criteria: Invitae Variant Classification Sherloc (09022015). Collection method: clinical testing. Allele origin: germline.
Comment: This sequence change replaces proline, which is neutral and non-polar, with serine, which is neutral and polar, at codon 4154 of the RYR1 protein (p.Pro4154Ser). This variant is not present in population databases (gnomAD no frequency). This variant has not been reported in the literature in individuals affected with RYR1-related conditions. ClinVar contains an entry for this variant (Variation ID: 1390584). Advanced modeling of protein sequence and biophysical properties (such as structural, functional, and spatial information, amino acid conservation, physicochemical variation, residue mobility, and thermodynamic stability) performed at Invitae indicates that this missense variant is expected to disrupt RYR1 protein function with a positive predictive value of 95%. In summary, the available evidence is currently insufficient to determine the role of this variant in disease. Therefore, it has been classified as a Variant of Uncertain Significance.

NM_000540.3(RYR1):c.12460C>T (p.Pro4154Ser)

Gene: RYR1 (ryanodine receptor 1; plus strand). Cytogenetic location: 19q13.2.
Variant type: single nucleotide variant.
Coding change: c.12460C>T on transcript NM_000540.3 (MANE Select); coding-DNA position 12460, C replaced by T.
Protein change: p.Pro4154Ser; replaces proline 4154 with serine.
Molecular consequence: missense variant.
Genome position (GRCh38, 1-based): chr19:38,561,290, C>T. VCF-style: chr19-38561290-C-T. GRCh37 (hg19) VCF-style: chr19-39051930-C-T.
Other names: c.12460C>T (NM_000540.2); c.12445C>T, p.Pro4149Ser (NM_001042723.2); short protein forms P4149S, P4154S.
Identifiers: ClinVar variation 1390584 (VCV001390584.9), dbSNP rs2145831197, ClinGen allele CA405669039.